The following is an entry in ClinVar:

NM_005045.4(RELN):c.10303T>C (p.Tyr3435His)

Genes: RELN (reelin; minus strand), SLC26A5-AS1 (SLC26A5 antisense RNA 1; plus strand). Cytogenetic location: 7q22.1.
Variant type: single nucleotide variant.
Coding change: c.10303T>C on transcript NM_005045.4 (MANE Select); coding-DNA position 10303, T replaced by C.
Protein change: p.Tyr3435His; replaces tyrosine 3435 with histidine.
Molecular consequence: missense variant.
Genome position (GRCh38, 1-based): chr7:103,472,892, A>G on the plus strand (T>C on the coding strand, the complement: RELN is on the minus strand). VCF-style: chr7-103472892-A-G. GRCh37 (hg19) VCF-style: chr7-103113339-A-G.
Other names: c.10297T>C, p.Tyr3433His (NM_173054.3); short protein forms Y3435H, Y3433H.
Identifiers: ClinVar variation 1395482 (VCV001395482.8), dbSNP rs1827903281, ClinGen allele CA368755999.

ClinVar aggregate classification (germline): Uncertain significance (1 of 4 stars; one submission).

Conditions:
Norman-Roberts syndrome (LIS2). Also called: Lissencephaly 2 (Norman-Roberts type). Identifiers: Orphanet 89844, MedGen C0796089, MONDO:0009760, OMIM 257320.
Familial temporal lobe epilepsy 7. Identifiers: Orphanet 101046, MedGen C4225327, MONDO:0014639, OMIM 616436.

Allele frequency attached by ClinVar (database versions not stated): TOPMed 0.00001.

Submission:

Labcorp Genetics (formerly Invitae), Labcorp
Classification: Uncertain significance for Familial temporal lobe epilepsy 7; Norman-Roberts syndrome. Last evaluated: 2021-01-19. Review status: criteria provided, single submitter. Criteria: Invitae Variant Classification Sherloc (09022015). Collection method: clinical testing. Allele origin: germline.
Comment: This sequence change replaces tyrosine with histidine at codon 3435 of the RELN protein (p.Tyr3435His). The tyrosine residue is moderately conserved and there is a moderate physicochemical difference between tyrosine and histidine. This variant is not present in population databases (ExAC no frequency). This variant has not been reported in the literature in individuals with RELN-related conditions. Algorithms developed to predict the effect of missense changes on protein structure and function are either unavailable or do not agree on the potential impact of this missense change (SIFT: "Deleterious"; PolyPhen-2: "Benign"; Align-GVGD: "Class C0"). In summary, the available evidence is currently insufficient to determine the role of this variant in disease. Therefore, it has been classified as a Variant of Uncertain Significance.